The following is an entry in ClinVar:

ClinVar aggregate classification (germline): Pathogenic. Review status: criteria provided, multiple submitters, no conflicts (2 of 4 stars). 2 submissions from 2 submitters: Pathogenic (2). Last evaluated 2022-06-27.

Conditions:
Becker muscular dystrophy (BMD). Also called: MUSCULAR DYSTROPHY, PSEUDOHYPERTROPHIC PROGRESSIVE, BECKER TYPE; Becker Muscular Dystrophy (BMD). Identifiers: Orphanet 98895, MedGen C0917713, MONDO:0010311, OMIM 300376.
Duchenne muscular dystrophy (DMD). Also called: MUSCULAR DYSTROPHY, PSEUDOHYPERTROPHIC PROGRESSIVE, DUCHENNE TYPE; Duchenne Muscular Dystrophy (DMD). Identifiers: Orphanet 98896, MedGen C0013264, MONDO:0010679, OMIM 310200.

Submissions (2):

Labcorp Genetics (formerly Invitae), Labcorp
Classification: Pathogenic for Duchenne muscular dystrophy. Last evaluated: 2022-06-27. Review status: criteria provided, single submitter. Criteria: Invitae Variant Classification Sherloc (09022015). Collection method: clinical testing. Allele origin: germline.
Comment: This variant is not present in population databases (gnomAD no frequency). For these reasons, this variant has been classified as Pathogenic. ClinVar contains an entry for this variant (Variation ID: 1322359). This premature translational stop signal has been observed in individual(s) with Duchenne muscular dystrophy (PMID: 14695533). This sequence change creates a premature translational stop signal (p.Leu890*) in the DMD gene. It is expected to result in an absent or disrupted protein product. Loss-of-function variants in DMD are known to be pathogenic (PMID: 16770791, 25007885).

Mendelics
Classification: Pathogenic for Becker muscular dystrophy. Last evaluated: 2022-05-04. Review status: criteria provided, single submitter. Criteria: Mendelics Assertion Criteria 2019. Collection method: clinical testing. Allele origin: germline.

Literature cited by the submitters: PubMed 14695533 (cited by Labcorp Genetics (formerly Invitae), Labcorp); PubMed 16770791 (cited by Labcorp Genetics (formerly Invitae), Labcorp); PubMed 25007885 (cited by Labcorp Genetics (formerly Invitae), Labcorp).

NM_004006.3(DMD):c.2669T>G (p.Leu890Ter)

Gene: DMD (dystrophin; minus strand). Cytogenetic location: Xp21.1.
Variant type: single nucleotide variant.
Coding change: c.2669T>G on transcript NM_004006.3 (MANE Select); coding-DNA position 2669, T replaced by G.
Protein change: p.Leu890Ter; replaces leucine 890 with a stop codon.
Molecular consequence: nonsense.
Genome position (GRCh38, 1-based): chrX:32,485,053, A>C on the plus strand (T>G on the coding strand, the complement: DMD is on the minus strand). VCF-style: chrX-32485053-A-C. GRCh37 (hg19) VCF-style: chrX-32503170-A-C.
Other names: c.2645T>G, p.Leu882Ter (NM_000109.4); c.2657T>G, p.Leu886Ter (NM_004009.3); c.2300T>G, p.Leu767Ter (NM_004010.3); short protein forms L767*, L882*, L886*, L890*.
Identifiers: ClinVar variation 1322359 (VCV001322359.8), dbSNP rs1557380616, ClinGen allele CA412670992.